The following is an entry in ClinVar:

NM_000081.4(LYST):c.5583T>C (p.Ile1861=)

Gene: LYST (lysosomal trafficking regulator; minus strand). Cytogenetic location: 1q42.3.
Variant type: single nucleotide variant.
Coding change: c.5583T>C on transcript NM_000081.4 (MANE Select); coding-DNA position 5583, T replaced by C.
Protein change: p.Ile1861=; no amino-acid change (isoleucine 1861 retained).
Molecular consequence: synonymous variant.
Genome position (GRCh38, 1-based): chr1:235,774,964, A>G on the plus strand (T>C on the coding strand, the complement: LYST is on the minus strand). VCF-style: chr1-235774964-A-G. GRCh37 (hg19) VCF-style: chr1-235938264-A-G.
Other names: p.Ile1861=; c.5583T>C, p.Ile1861= (NM_001301365.1).
Identifiers: ClinVar variation 875824 (VCV000875824.16), dbSNP rs979729264, ClinGen allele CA39621521.

ClinVar aggregate classification (germline): Conflicting classifications of pathogenicity. Review status: criteria provided, conflicting classifications (1 of 4 stars). 5 submissions from 5 submitters: Uncertain significance (1); Likely benign (4). Last evaluated 2026-01-19.

Conditions:
Chédiak-Higashi syndrome (CHS). Also called: Chediak-Higashi Syndrome. Identifiers: Orphanet 167, MedGen C0007965, MONDO:0008963, OMIM 214500.

Allele frequency attached by ClinVar (database versions not stated): gnomAD 0.00001; TOPMed 0.00001; gnomAD exomes 0.00002.
gnomAD v4.1: 24 of 1,610,734 alleles (0.0015%); highest among the groups gnomAD compares: Non-Finnish European, 0.002%; no homozygotes.

Submissions (5):

Labcorp Genetics (formerly Invitae), Labcorp
Classification: Likely benign for Chédiak-Higashi syndrome. Last evaluated: 2026-01-19. Review status: criteria provided, single submitter. Criteria: Invitae Variant Classification Sherloc (09022015). Collection method: clinical testing. Allele origin: germline.

Mayo Clinic Laboratories, Mayo Clinic
Classification: Likely benign. Last evaluated: 2025-01-20. Review status: criteria provided, single submitter. Criteria: ACMG Guidelines, 2015. Collection method: clinical testing. Allele origin: germline. Observed: 1 variant allele.
Comment: BP4, BP7

Blueprint Genetics
Classification: Likely benign. Last evaluated: 2024-11-04. Review status: criteria provided, single submitter. Criteria: ACMG Guidelines, 2015. Collection method: clinical testing. Allele origin: germline.

Women's Health and Genetics/Laboratory Corporation of America, LabCorp
Classification: Likely benign. Last evaluated: 2024-10-01. Review status: criteria provided, single submitter. Criteria: LabCorp Variant Classification Summary - May 2015. Collection method: clinical testing. Allele origin: germline.

Illumina Laboratory Services, Illumina
Classification: Uncertain significance for Chédiak-Higashi syndrome. Last evaluated: 2018-01-13. Review status: criteria provided, single submitter. Criteria: ICSL Variant Classification Criteria 13 December 2019. Collection method: clinical testing. Allele origin: germline.